The following is an entry in ClinVar:

NM_001873.4(CPE):c.1029T>A (p.Leu343=)

Gene: CPE (carboxypeptidase E; plus strand). Cytogenetic location: 4q32.3.
Variant type: single nucleotide variant.
Coding change: c.1029T>A on transcript NM_001873.4 (MANE Select); coding-DNA position 1029, T replaced by A.
Protein change: p.Leu343=; no amino-acid change (leucine 343 retained).
Molecular consequence: synonymous variant.
Genome position (GRCh38, 1-based): chr4:165,487,493, T>A. VCF-style: chr4-165487493-T-A. GRCh37 (hg19) VCF-style: chr4-166408645-T-A.
Identifiers: ClinVar variation 4996269 (VCV004996269.1).

ClinVar aggregate classification (germline): Likely benign (1 of 4 stars; one submission).

Conditions:
CPE-related disorder. Also called: CPE-related condition.

Submission:

PreventionGenetics, part of Exact Sciences
Classification: Likely benign for CPE-related condition. Last evaluated: 2026-01-05. Review status: criteria provided, single submitter. Criteria: ACMG Guidelines, 2015. Collection method: clinical testing. Allele origin: germline.
Comment: This variant is classified as likely benign based on ACMG/AMP sequence variant interpretation guidelines (Richards et al. 2015 PMID: 25741868, with internal and published modifications).